The following is an entry in ClinVar:

ClinVar aggregate classification (germline): not provided (0 of 4 stars; one submission).

Allele frequency attached by ClinVar (database versions not stated): gnomAD exomes 0.03535 and 0.03774; ExAC 0.03955; gnomAD 0.04467 and 0.04492; ESP Exome Variant Server 0.04521; TOPMed 0.04640; 1000 Genomes Project 30x 0.05871; 1000 Genomes Project 0.05891.
gnomAD v4.1: 58,906 of 1,614,036 alleles (3.6%); highest among the groups gnomAD compares: East Asian, 9.6%; 1,396 homozygotes.

Submission:

ITMI
No classification provided. Condition: AllHighlyPenetrant. Last evaluated: 2013-09-19. Review status: no classification provided. Collection method: reference population. Allele origin: germline.
Comment: Please see associated publication for description of ethnicities

Literature cited by the submitters: PubMed 24728327.

NM_001198.4(PRDM1):c.220G>A (p.Gly74Ser)

Gene: PRDM1 (PR/SET domain 1; plus strand). Cytogenetic location: 6q21.
Variant type: single nucleotide variant.
Coding change: c.220G>A on transcript NM_001198.4 (MANE Select); coding-DNA position 220, G replaced by A.
Protein change: p.Gly74Ser; replaces glycine 74 with serine.
Molecular consequence: missense variant.
Genome position (GRCh38, 1-based): chr6:106,088,378, G>A. VCF-style: chr6-106088378-G-A. GRCh37 (hg19) VCF-style: chr6-106536253-G-A.
Other names: short protein forms G74S.
Identifiers: ClinVar variation 135074 (VCV000135074.1), dbSNP rs2185379, ClinGen allele CA161614.